The following is an entry in ClinVar:

NM_018706.7(DHTKD1):c.1562C>G (p.Thr521Ser)

Gene: DHTKD1 (dehydrogenase E1 and transketolase domain containing 1; plus strand). Cytogenetic location: 10p14.
Variant type: single nucleotide variant.
Coding change: c.1562C>G on transcript NM_018706.7 (MANE Select); coding-DNA position 1562, C replaced by G.
Protein change: p.Thr521Ser; replaces threonine 521 with serine.
Molecular consequence: missense variant.
Genome position (GRCh38, 1-based): chr10:12,097,887, C>G. VCF-style: chr10-12097887-C-G. GRCh37 (hg19) VCF-style: chr10-12139886-C-G.
Other names: short protein forms T521S.
Identifiers: ClinVar variation 1993578 (VCV001993578.4), dbSNP rs1833097538, ClinGen allele CA376021556.

ClinVar aggregate classification (germline): Uncertain significance (1 of 4 stars; one submission).

Conditions:
2-aminoadipic 2-oxoadipic aciduria (AAKAD). Also called: Aminoadipic aciduria; ALPHA-AMINOADIPIC AND ALPHA-KETOADIPIC ACIDURIA. Identifiers: Orphanet 79154, MedGen C1859817, MONDO:0008774, OMIM 204750.

Submission:

Labcorp Genetics (formerly Invitae), Labcorp
Classification: Uncertain significance for 2-aminoadipic 2-oxoadipic aciduria. Last evaluated: 2022-05-12. Review status: criteria provided, single submitter. Criteria: Invitae Variant Classification Sherloc (09022015). Collection method: clinical testing. Allele origin: germline.
Comment: In summary, the available evidence is currently insufficient to determine the role of this variant in disease. Therefore, it has been classified as a Variant of Uncertain Significance. Algorithms developed to predict the effect of missense changes on protein structure and function output the following: SIFT: "Tolerated"; PolyPhen-2: "Benign"; Align-GVGD: "Class C0". The serine amino acid residue is found in multiple mammalian species, which suggests that this missense change does not adversely affect protein function. This variant has not been reported in the literature in individuals affected with DHTKD1-related conditions. This variant is not present in population databases (gnomAD no frequency). This sequence change replaces threonine, which is neutral and polar, with serine, which is neutral and polar, at codon 521 of the DHTKD1 protein (p.Thr521Ser).